The following is an entry in ClinVar:

NM_144666.3(DNHD1):c.10440T>C (p.Asp3480=)

Gene: DNHD1 (dynein heavy chain domain 1; plus strand). Cytogenetic location: 11p15.4.
Variant type: single nucleotide variant.
Coding change: c.10440T>C on transcript NM_144666.3 (MANE Select); coding-DNA position 10440, T replaced by C.
Protein change: p.Asp3480=; no amino-acid change (aspartic acid 3480 retained).
Molecular consequence: synonymous variant.
Genome position (GRCh38, 1-based): chr11:6,564,488, T>C. VCF-style: chr11-6564488-T-C. GRCh37 (hg19) VCF-style: chr11-6585718-T-C.
Identifiers: ClinVar variation 3056191 (VCV003056191.15), dbSNP rs147545086, ClinGen allele CA5856508.
Genomic context (GRCh38, chr11:6,564,488, plus strand): 5'-AGAGCTACTGGACGAGTGGTTAGCTCTGTGTAGGGGCTTTCAGGAGGCTCTGGGCCCAGA[T>C]GATGTGGCACAGGCACTGAAGCGGAAGCAAAAATCTGTCAGCATACCACCAAAGAACCCC-3'
Protein context (NP_653267.2, residues 3470-3490): CRGFQEALGP[Asp3480=]DVAQALKRKQ

ClinVar aggregate classification (germline): Likely benign. Review status: criteria provided, single submitter (1 of 4 stars). 2 submissions from 2 submitters: Likely benign (1). 1 of the submissions does not count toward it. Last evaluated 2024-12-01.

Conditions:
DNHD1-related disorder. Also called: DNHD1-related condition.

Allele frequency attached by ClinVar (database versions not stated): ESP Exome Variant Server 0.00022; ExAC 0.00051; 1000 Genomes Project 30x 0.00094; 1000 Genomes Project 0.00120; gnomAD 0.00139.
gnomAD v4.1: 1,407 of 1,551,668 alleles (0.091%); highest among the groups gnomAD compares: East Asian, 0.48%; 11 homozygotes.

Submissions (2):

CeGaT Center for Human Genetics Tuebingen
Classification: Likely benign. Last evaluated: 2024-12-01. Review status: criteria provided, single submitter. Criteria: CeGaT Center For Human Genetics Tuebingen Variant Classification Criteria Version 2. Collection method: clinical testing. Allele origin: germline. Affected: yes. Observed: 1 variant allele.
Comment: DNHD1: BP4, BP7

PreventionGenetics, part of Exact Sciences
Classification: Benign for DNHD1-related condition. Last evaluated: 2019-09-10. Review status: no assertion criteria provided. Collection method: clinical testing. Allele origin: germline. Not counted in ClinVar's aggregate classification.
Comment: This variant is classified as benign based on ACMG/AMP sequence variant interpretation guidelines (Richards et al. 2015 PMID: 25741868, with internal and published modifications).